The following is an entry in ClinVar:

NM_004104.5(FASN):c.6118G>A (p.Ala2040Thr)

Gene: FASN (fatty acid synthase; minus strand). Cytogenetic location: 17q25.3.
Variant type: single nucleotide variant.
Coding change: c.6118G>A on transcript NM_004104.5 (MANE Select); coding-DNA position 6118, G replaced by A.
Protein change: p.Ala2040Thr; replaces alanine 2040 with threonine.
Molecular consequence: missense variant.
Genome position (GRCh38, 1-based): chr17:82,082,054, C>T on the plus strand (G>A on the coding strand, the complement: FASN is on the minus strand). VCF-style: chr17-82082054-C-T. GRCh37 (hg19) VCF-style: chr17-80039930-C-T.
Other names: short protein forms A2040T.
Identifiers: ClinVar variation 530994 (VCV000530994.8), dbSNP rs150748779, ClinGen allele CA295203930.

ClinVar aggregate classification (germline): Uncertain significance (1 of 4 stars; one submission).

Conditions:
Epileptic encephalopathy. Identifiers: MedGen C0543888, HP:0200134.

gnomAD v4.1: 13 of 1,610,390 alleles (0.00081%); highest among the groups gnomAD compares: South Asian, 0.0099%; no homozygotes.

Submission:

Labcorp Genetics (formerly Invitae), Labcorp
Classification: Uncertain significance for Epileptic encephalopathy. Last evaluated: 2024-06-11. Review status: criteria provided, single submitter. Criteria: Invitae Variant Classification Sherloc (09022015). Collection method: clinical testing. Allele origin: germline.
Comment: This sequence change replaces alanine, which is neutral and non-polar, with threonine, which is neutral and polar, at codon 2040 of the FASN protein (p.Ala2040Thr). This variant is present in population databases (no rsID available, gnomAD 0.004%). This variant has not been reported in the literature in individuals affected with FASN-related conditions. ClinVar contains an entry for this variant (Variation ID: 530994). Algorithms developed to predict the effect of missense changes on protein structure and function output the following: SIFT: "Not Available"; PolyPhen-2: "Benign"; Align-GVGD: "Not Available". The threonine amino acid residue is found in multiple mammalian species, which suggests that this missense change does not adversely affect protein function. In summary, the available evidence is currently insufficient to determine the role of this variant in disease. Therefore, it has been classified as a Variant of Uncertain Significance.